The following is an entry in ClinVar:

ClinVar aggregate classification (germline): Pathogenic/Likely pathogenic. Review status: criteria provided, multiple submitters, no conflicts (2 of 4 stars). 2 submissions from 2 submitters: Pathogenic (1); Likely pathogenic (1). Last evaluated 2025-04-28.

Conditions:
Hereditary hemorrhagic telangiectasia (HHT). Also called: ORW DISEASE; Osler Weber Rendu syndrome; OSLER-RENDU-WEBER DISEASE; Osler hemorrhagic telangiectasia syndrome. Identifiers: Orphanet 774, MedGen C0039445, MONDO:0019180. Disease mechanism: loss of function.
Telangiectasia, hereditary hemorrhagic, type 1 (HHT1). Also called: Osler Weber Rendu syndrome type 1; ENG-Related Hereditary Hemorrhagic Telangiectasia. Identifiers: Orphanet 774, MedGen C4551861, MONDO:0008535, OMIM 187300. Disease mechanism: loss of function.

Submissions (2):

Labcorp Genetics (formerly Invitae), Labcorp
Classification: Pathogenic for Hereditary hemorrhagic telangiectasia. Last evaluated: 2025-04-28. Review status: criteria provided, single submitter. Criteria: Invitae Variant Classification Sherloc (09022015). Collection method: clinical testing. Allele origin: germline.
Comment: This sequence change creates a premature translational stop signal (p.Leu461Argfs*29) in the ENG gene. It is expected to result in an absent or disrupted protein product. Loss-of-function variants in ENG are known to be pathogenic (PMID: 15879500). This variant is not present in population databases (gnomAD no frequency). This premature translational stop signal has been observed in individual(s) with clinical features of hereditary hemorrhagic telangiectasia (internal data). ClinVar contains an entry for this variant (Variation ID: 1994298). For these reasons, this variant has been classified as Pathogenic.

ARUP Laboratories, Molecular Genetics and Genomics, ARUP Laboratories
Classification: Likely pathogenic for Telangiectasia, hereditary hemorrhagic, type 1. Last evaluated: 2024-04-08. Review status: criteria provided, single submitter. Criteria: ARUP Molecular Germline Variant Investigation Process 2024. Collection method: clinical testing. Allele origin: germline.
Comment: The ENG c.1381_1384del; p.Leu461ArgfsTer29 variant, to our knowledge, is not reported in the medical literature but is reported in ClinVar (Variation ID: 1994298). This variant is also absent from the Genome Aggregation Database (v2.1.1), indicating it is not a common polymorphism. This variant causes a frameshift by deleting four nucleotides, so it is predicted to result in a truncated protein or mRNA subject to nonsense-mediated decay. Based on available information, this variant is considered to be likely pathogenic

Literature cited by the submitters: PubMed 15879500 (cited by Labcorp Genetics (formerly Invitae), Labcorp).

NM_001114753.3(ENG):c.1381_1384del (p.Leu461fs)

Genes: ENG (endoglin; minus strand), LOC102723566 (uncharacterized LOC102723566; plus strand). Cytogenetic location: 9q34.11.
Variant type: Deletion.
Coding change: c.1381_1384del on transcript NM_001114753.3 (MANE Select); coding-DNA positions 1381 to 1384, 4 bases deleted (CTCC; older notation c.1381_1384delCTCC).
Protein change: p.Leu461fs; shifts the reading frame from leucine 461.
Molecular consequence: frameshift variant.
Genome position (GRCh38, 1-based): chr9:127,818,760-127,818,763, GGAG deleted on the plus strand (CTCC on the coding strand, the reverse complement: ENG is on the minus strand); deleting any 4 consecutive bases within chr9:127,818,760-127,818,764 gives the same sequence; the c. name uses the placement nearest the transcript's 3' end. VCF-style (leftmost placement, unchanged base first): chr9-127818759-TGGAG-T. GRCh37 (hg19) VCF-style: chr9-130581038-TGGAG-T.
Other names: c.1380_1383delCCTC, p.Leu461Argfs (NM_000118.4); c.835_838del, p.Leu279fs (NM_001278138.2); short protein forms L279fs, L461fs.
Identifiers: ClinVar variation 1994298 (VCV001994298.5), dbSNP rs2539060956, ClinGen allele CA2580079676.